The following is an entry in ClinVar:

NM_004380.3(CREBBP):c.3920T>C (p.Val1307Ala)

Gene: CREBBP (CREB binding lysine acetyltransferase; minus strand). Cytogenetic location: 16p13.3.
Variant type: single nucleotide variant.
Coding change: c.3920T>C on transcript NM_004380.3 (MANE Select); coding-DNA position 3920, T replaced by C.
Protein change: p.Val1307Ala; replaces valine 1307 with alanine.
Molecular consequence: missense variant.
Genome position (GRCh38, 1-based): chr16:3,744,956, A>G on the plus strand (T>C on the coding strand, the complement: CREBBP is on the minus strand). VCF-style: chr16-3744956-A-G. GRCh37 (hg19) VCF-style: chr16-3794957-A-G.
Other names: c.3806T>C, p.Val1269Ala (NM_001079846.1); c.3920T>C (NM_004380.2); short protein forms V1307A, V1269A.
Identifiers: ClinVar variation 1474895 (VCV001474895.9), dbSNP rs2151354200, ClinGen allele CA394566688.
Genomic context (GRCh38, chr16:3,744,956, plus strand): 5'-TTAGCACTGAATTTGTTTTCTTTTCGAGGTCTGCCAGTTTTCTTCAAGCAGTTGTCGCAC[A>G]CAAAACTGCAAAATAATAGTGGTATGATGAGACTGTATATAATGATGTAAATTGTCAAAC-3'
Protein context (NP_004371.2, residues 1297-1317): HYDIIWPSGF[Val1307Ala]CDNCLKKTGR

ClinVar aggregate classification (germline): Uncertain significance. Review status: criteria provided, multiple submitters, no conflicts (2 of 4 stars). 2 submissions from 2 submitters: Uncertain significance (2). Last evaluated 2024-02-11.

Conditions:
Rubinstein-Taybi syndrome (RSTS). Identifiers: Orphanet 783, MedGen C0035934, MONDO:0019188.
Inborn genetic diseases. Identifiers: MedGen C0950123, MeSH D030342.

gnomAD v4.1: 2 of 1,612,256 alleles (0.00012%); highest among the groups gnomAD compares: Middle Eastern, 0.016%; no homozygotes.

Submissions (2):

Labcorp Genetics (formerly Invitae), Labcorp
Classification: Uncertain significance for Rubinstein-Taybi syndrome. Last evaluated: 2024-02-11. Review status: criteria provided, single submitter. Criteria: Invitae Variant Classification Sherloc (09022015). Collection method: clinical testing. Allele origin: germline.
Comment: This sequence change replaces valine, which is neutral and non-polar, with alanine, which is neutral and non-polar, at codon 1307 of the CREBBP protein (p.Val1307Ala). This variant is not present in population databases (gnomAD no frequency). This variant has not been reported in the literature in individuals affected with CREBBP-related conditions. ClinVar contains an entry for this variant (Variation ID: 1474895). Advanced modeling of protein sequence and biophysical properties (such as structural, functional, and spatial information, amino acid conservation, physicochemical variation, residue mobility, and thermodynamic stability) has been performed at Invitae for this missense variant, however the output from this modeling did not meet the statistical confidence thresholds required to predict the impact of this variant on CREBBP protein function. In summary, the available evidence is currently insufficient to determine the role of this variant in disease. Therefore, it has been classified as a Variant of Uncertain Significance.

Ambry Genetics
Classification: Uncertain significance for Inborn genetic diseases. Last evaluated: 2023-05-31. Review status: criteria provided, single submitter. Criteria: Ambry Variant Classification Scheme 2023. Collection method: clinical testing. Allele origin: germline.